The following is an entry in ClinVar:

NM_005883.3(APC2):c.1666G>A (p.Ala556Thr)

Gene: APC2 (APC regulator of Wnt signaling pathway 2; plus strand). Cytogenetic location: 19p13.3.
Variant type: single nucleotide variant.
Coding change: c.1666G>A on transcript NM_005883.3 (MANE Select); coding-DNA position 1666, G replaced by A.
Protein change: p.Ala556Thr; replaces alanine 556 with threonine.
Molecular consequence: missense variant.
Genome position (GRCh38, 1-based): chr19:1,461,990, G>A. VCF-style: chr19-1461990-G-A. GRCh37 (hg19) VCF-style: chr19-1461989-G-A.
Other names: c.1663G>A, p.Ala555Thr (NM_001351273.1); c.1666G>A (NM_005883.2); short protein forms A555T, A556T.
Identifiers: ClinVar variation 2022682 (VCV002022682.5), dbSNP rs757571472, ClinGen allele CA9045256.

ClinVar aggregate classification (germline): Uncertain significance. Review status: criteria provided, multiple submitters, no conflicts (2 of 4 stars). 2 submissions from 2 submitters: Uncertain significance (2). Last evaluated 2025-05-04.

Conditions:
Inborn genetic diseases. Identifiers: MedGen C0950123, MeSH D030342.

Allele frequency attached by ClinVar (database versions not stated): ExAC 0.00001; gnomAD 0.00001; gnomAD exomes 0.00002; TOPMed 0.00002.

Submissions (2):

Ambry Genetics
Classification: Uncertain significance for Inborn genetic diseases. Last evaluated: 2025-05-04. Review status: criteria provided, single submitter. Criteria: Ambry Variant Classification Scheme 2023. Collection method: clinical testing. Allele origin: germline.

Labcorp Genetics (formerly Invitae), Labcorp
Classification: Uncertain significance. Last evaluated: 2024-10-24. Review status: criteria provided, single submitter. Criteria: Invitae Variant Classification Sherloc (09022015). Collection method: clinical testing. Allele origin: germline.
Comment: This sequence change replaces alanine, which is neutral and non-polar, with threonine, which is neutral and polar, at codon 556 of the APC2 protein (p.Ala556Thr). This variant is present in population databases (rs757571472, gnomAD 0.006%). This variant has not been reported in the literature in individuals affected with APC2-related conditions. ClinVar contains an entry for this variant (Variation ID: 2022682). Invitae Evidence Modeling of protein sequence and biophysical properties (such as structural, functional, and spatial information, amino acid conservation, physicochemical variation, residue mobility, and thermodynamic stability) indicates that this missense variant is expected to disrupt APC2 protein function with a positive predictive value of 80%. In summary, the available evidence is currently insufficient to determine the role of this variant in disease. Therefore, it has been classified as a Variant of Uncertain Significance.